The following is an entry in ClinVar:

ClinVar aggregate classification (germline): Uncertain significance. Review status: criteria provided, multiple submitters, no conflicts (2 of 4 stars). 3 submissions from 3 submitters: Uncertain significance (3). Last evaluated 2026-04-28.

Conditions:
Neurodevelopmental disorder with central hypotonia and dysmorphic facies (NEDCHF). Identifiers: MedGen C5676944, MONDO:0859232, OMIM 619797.

Submissions (3):

GeneDx
Classification: Uncertain significance. Last evaluated: 2026-04-28. Review status: criteria provided, single submitter. Criteria: GeneDx Variant Classification Process June 2021. Collection method: clinical testing. Allele origin: germline.
Comment: Not observed at significant frequency in large population cohorts (gnomAD); In-frame deletion of 1 amino acid(s) in a non-repeat region; In silico analysis supports a deleterious effect on protein structure/function; Has not been previously published as pathogenic or benign to our knowledge

Dasa
Classification: Uncertain significance. Last evaluated: 2025-03-02. Review status: criteria provided, single submitter. Criteria: DASA Assertion Criteria. Collection method: clinical testing. Allele origin: germline.
Comment: NM_001378414.1(HDAC4):c.914_916del (p.Asn305del) is an in-frame deletion predicted to remove asparagine at protein position 305 without shifting the reading frame. This variant is absent from population databases. The currently available literature and clinical evidence are not sufficient to establish a definitive association between this variant and the reported condition. Therefore, this variant is classified as a variant of uncertain significance.

Fulgent Genetics
Classification: Uncertain significance for Neurodevelopmental disorder with central hypotonia and dysmorphic facies. Last evaluated: 2023-12-29. Review status: criteria provided, single submitter. Criteria: ACMG Guidelines, 2015. Collection method: clinical testing. Allele origin: germline.

NM_001378414.1(HDAC4):c.911ACA[1] (p.Asn305del)

Gene: HDAC4 (histone deacetylase 4; minus strand). Cytogenetic location: 2q37.3.
Variant type: Microsatellite.
Coding change: c.911ACA[1] on transcript NM_001378414.1 (MANE Select); one copy of the 3-base unit ACA starting at c.911; the reference has two copies in a row; one copy, 3 bases deleted; also written c.914_916del.
Protein change: p.Asn305del; deletes asparagine 305.
Genome position (GRCh38, 1-based): chr2:239,139,746-239,139,748, TGT deleted on the plus strand (ACA on the coding strand, the reverse complement: HDAC4 is on the minus strand); deleting any 3 consecutive bases within chr2:239,139,746-239,139,753 gives the same sequence; the position shown is the placement nearest the transcript's 3' end. VCF-style (leftmost placement, unchanged base first): chr2-239139745-CTGT-C. GRCh37 (hg19) VCF-style: chr2-240061441-CTGT-C.
Other names: c.911ACA[1], p.Asn305del (NM_001378415.1, NM_001378416.1, NM_001378417.1 and 1 more transcripts); c.914_916del (NM_006037.3, NM_001378414.1); short protein forms N305del.
Identifiers: ClinVar variation 3586196 (VCV003586196.5).